The following is an entry in ClinVar:

NM_001868.4(CPA1):c.215T>C (p.Ile72Thr)

Gene: CPA1 (carboxypeptidase A1; plus strand). Cytogenetic location: 7q32.2.
Variant type: single nucleotide variant.
Coding change: c.215T>C on transcript NM_001868.4 (MANE Select); coding-DNA position 215, T replaced by C.
Protein change: p.Ile72Thr; replaces isoleucine 72 with threonine.
Molecular consequence: missense variant.
Genome position (GRCh38, 1-based): chr7:130,381,697, T>C. VCF-style: chr7-130381697-T-C. GRCh37 (hg19) VCF-style: chr7-130021538-T-C.
Other names: short protein forms I72T.
Identifiers: ClinVar variation 4869354 (VCV004869354.1).

ClinVar aggregate classification (germline): Uncertain significance (1 of 4 stars; one submission).

Conditions:
Hereditary pancreatitis (PCTT). Also called: Hereditary chronic pancreatitis; PRSS1-Related Hereditary Pancreatitis. Identifiers: Orphanet 676, MedGen C0238339, MONDO:0008185, OMIM 167800.

Submission:

Ambry Genetics
Classification: Uncertain significance for Hereditary pancreatitis. Last evaluated: 2026-03-16. Review status: criteria provided, single submitter. Criteria: Ambry Variant Classification Scheme 2023. Collection method: clinical testing. Allele origin: germline.
Comment: The p.I72T variant (also known as c.215T>C), located in coding exon 3 of the CPA1 gene, results from a T to C substitution at nucleotide position 215. The isoleucine at codon 72 is replaced by threonine, an amino acid with similar properties. This amino acid position is conserved. In addition, this alteration is predicted to be tolerated by in silico analysis. Based on the available evidence, the clinical significance of this variant remains unclear.